The following is an entry in ClinVar:

ClinVar aggregate classification (germline): Conflicting classifications of pathogenicity. Review status: criteria provided, conflicting classifications (1 of 4 stars). 3 submissions from 3 submitters: Likely pathogenic (1); Uncertain significance (2). Last evaluated 2026-06-09.

Conditions:
Cardiovascular phenotype. Identifiers: MedGen CN230736.
Dilated cardiomyopathy 1G (CMD1G). Identifiers: Orphanet 154, MedGen C1858763, MONDO:0011400, OMIM 604145.
Autosomal recessive limb-girdle muscular dystrophy type 2J (LGMDR10). Also called: Limb-girdle muscular dystrophy, type 2J; MUSCULAR DYSTROPHY, LIMB-GIRDLE, AUTOSOMAL RECESSIVE 10. Identifiers: Orphanet 140922, MedGen C1837342, MONDO:0012127, OMIM 608807.
Hypertrophic cardiomyopathy 9. Also called: Familial hypertrophic cardiomyopathy 9. Identifiers: MedGen C1861065, MONDO:0013412, OMIM 613765.

Allele frequency attached by ClinVar (database versions not stated): ESP Exome Variant Server 0.00008; ExAC 0.00001; TOPMed 0.00002; gnomAD 0.00003 and 0.00002; gnomAD exomes 0.00001 and below 0.00001.
gnomAD v4.1: 6 of 1,600,942 alleles (0.00037%); highest among the groups gnomAD compares: African/African-American, 0.0041%; no homozygotes.

Submissions (3):

Ambry Genetics
Classification: Uncertain significance for Cardiovascular phenotype. Last evaluated: 2026-06-09. Review status: criteria provided, single submitter. Criteria: Ambry Variant Classification Scheme 2023. Collection method: clinical testing. Allele origin: germline.
Comment: The c.13528+1G>T intronic variant results from a G to T substitution one nucleotide after coding exon 48 of the TTN gene. This exon is located in the I-band region of the N2-B isoform of the titin protein and is constitutively expressed in TTN transcripts (percent spliced in or PSI 100%). This nucleotide position is highly conserved in available vertebrate species. In silico splice site analysis predicts that this alteration will weaken the native splice donor site. This variant disrupts the canonical splice site and is expected to cause aberrant splicing. However, although direct evidence is unavailable, this variant is predicted to result in an in-frame transcript that is not expected to trigger nonsense-mediated mRNA decay. The exact functional effect of the predicted splice impact is unknown. Since supporting evidence is limited at this time, the clinical significance of this alteration remains unclear.

Labcorp Genetics (formerly Invitae), Labcorp
Classification: Likely pathogenic for Dilated cardiomyopathy 1G; Autosomal recessive limb-girdle muscular dystrophy type 2J. Last evaluated: 2025-11-26. Review status: criteria provided, single submitter. Criteria: Invitae Variant Classification Sherloc (09022015). Collection method: clinical testing. Allele origin: germline.
Comment: This sequence change affects a donor splice site in intron 221 of the TTN gene. It is expected to disrupt RNA splicing and likely results in a truncated or disrupted TTN protein. This variant is present in population databases (rs371770198, gnomAD 0.004%). This variant has not been reported in the literature in individuals affected with TTN-related conditions. ClinVar contains an entry for this variant (Variation ID: 947904). Algorithms developed to predict the effect of sequence changes on RNA splicing suggest that this variant may disrupt the consensus splice site. This variant is located in the I band of TTN (PMID: 25589632). Truncating variants in this region have been reported in individuals affected with autosomal recessive centronuclear myopathy (PMID: 23975875, internal data). Truncating variants in this region have also been identified in individuals affected with autosomal dominant dilated cardiomyopathy and/or cardio-related conditions (PMID: 27869827, 32964742, internal data). In summary, the currently available evidence indicates that the variant is pathogenic, but additional data are needed to prove that conclusively. Therefore, this variant has been classified as Likely Pathogenic.

New York Genome Center
Classification: Uncertain significance for Dilated cardiomyopathy 1G; Hypertrophic cardiomyopathy 9. Last evaluated: 2021-01-29. Review status: criteria provided, single submitter. Criteria: NYGC Assertion Criteria 2020. Collection method: clinical testing. Allele origin: inherited. Observed: 1 heterozygote. Study: CSER-NYCKidSeq.

Literature cited by the submitters: PubMed 25589632 (cited by Labcorp Genetics (formerly Invitae), Labcorp); PubMed 23975875 (cited by Labcorp Genetics (formerly Invitae), Labcorp); PubMed 27869827 (cited by Labcorp Genetics (formerly Invitae), Labcorp); PubMed 32964742 (cited by Labcorp Genetics (formerly Invitae), Labcorp).

NM_001267550.2(TTN):c.40723+1G>T

Gene: TTN (titin; minus strand). Cytogenetic location: 2q31.2.
Variant type: single nucleotide variant.
Coding change: c.40723+1G>T on transcript NM_001267550.2 (MANE Select); the canonical splice donor site of the intron after coding-DNA position 40723, G replaced by T.
Molecular consequence: splice donor variant.
Genome position (GRCh38, 1-based): chr2:178,640,540, C>A on the plus strand (G>T on the coding strand, the complement: TTN is on the minus strand). VCF-style: chr2-178640540-C-A. GRCh37 (hg19) VCF-style: chr2-179505267-C-A.
Other names: c.13528+1G>T (NM_003319.4); c.14104+1G>T (NM_133437.4); c.13903+1G>T (NM_133432.3); c.33019+1G>T (NM_133378.4); c.35800+1G>T (NM_001256850.1).
Identifiers: ClinVar variation 947904 (VCV000947904.13), dbSNP rs371770198, ClinGen allele CA1996411.